The following is an entry in ClinVar:

NM_021922.3(FANCE):c.1576T>A (p.Ser526Thr)

Gene: FANCE (FA complementation group E; plus strand). Cytogenetic location: 6p21.31.
Variant type: single nucleotide variant.
Coding change: c.1576T>A on transcript NM_021922.3 (MANE Select); coding-DNA position 1576, T replaced by A.
Protein change: p.Ser526Thr; replaces serine 526 with threonine.
Molecular consequence: missense variant. On other transcripts: 3 prime UTR variant (1).
Genome position (GRCh38, 1-based): chr6:35,466,310, T>A. VCF-style: chr6-35466310-T-A. GRCh37 (hg19) VCF-style: chr6-35434087-T-A.
Other names: c.*27T>A (NM_001410876.1); short protein forms S526T.
Identifiers: ClinVar variation 4744541 (VCV004744541.1).

ClinVar aggregate classification (germline): Uncertain significance (1 of 4 stars; one submission).

Conditions:
Fanconi anemia complementation group E (FANCE). Also called: FANCE-Related Fanconi Anemia. Identifiers: Orphanet 84, MedGen C3160739, MONDO:0010953, OMIM 600901.

Submission:

Labcorp Genetics (formerly Invitae), Labcorp
Classification: Uncertain significance for Fanconi anemia complementation group E. Last evaluated: 2025-03-19. Review status: criteria provided, single submitter. Criteria: Invitae Variant Classification Sherloc (09022015). Collection method: clinical testing. Allele origin: germline.
Comment: This sequence change replaces serine, which is neutral and polar, with threonine, which is neutral and polar, at codon 526 of the FANCE protein (p.Ser526Thr). This variant is not present in population databases (gnomAD no frequency). This variant has not been reported in the literature in individuals affected with FANCE-related conditions. Invitae Evidence Modeling of protein sequence and biophysical properties (such as structural, functional, and spatial information, amino acid conservation, physicochemical variation, residue mobility, and thermodynamic stability) has been performed for this missense variant. However, the output from this modeling did not meet the statistical confidence thresholds required to predict the impact of this variant on FANCE protein function. In summary, the available evidence is currently insufficient to determine the role of this variant in disease. Therefore, it has been classified as a Variant of Uncertain Significance.